The following is an entry in ClinVar:

NM_014706.4(SART3):c.2153C>T (p.Pro718Leu)

Gene: SART3 (spliceosome associated factor 3, U4/U6 recycling protein; minus strand). Cytogenetic location: 12q23.3.
Variant type: single nucleotide variant.
Coding change: c.2153C>T on transcript NM_014706.4 (MANE Select); coding-DNA position 2153, C replaced by T.
Protein change: p.Pro718Leu; replaces proline 718 with leucine.
Molecular consequence: missense variant.
Genome position (GRCh38, 1-based): chr12:108,526,316, G>A on the plus strand (C>T on the coding strand, the complement: SART3 is on the minus strand). VCF-style: chr12-108526316-G-A. GRCh37 (hg19) VCF-style: chr12-108920093-G-A.
Other names: c.2207C>T, p.Pro736Leu (NM_001410983.1); short protein forms P718L, P736L.
Identifiers: ClinVar variation 2444511 (VCV002444511.1), dbSNP rs2540734022, ClinGen allele CA386435670.
Genomic context (GRCh38, chr12:108,526,316, plus strand): 5'-ATGGGTCGGATCTGGACCACCTCCCCACAGGCCTCGAAGAGTGGCCTGAGCTTCGTGTCC[G>A]GCTCCTGCATGCTGTAGGGCAGGTTGCTGACAAAGACGGTGATGCTGTCCTTGCTGCTGT-3'
Protein context (NP_055521.1, residues 708-728): VSNLPYSMQE[Pro718Leu]DTKLRPLFEA

ClinVar aggregate classification (germline): Likely pathogenic (0 of 4 stars; one submission).

Conditions:
Intellectual disability, Neurodevelopmental defects and Developmental delay with 46,XY gonadal dysgenesis.

Allele frequency attached by ClinVar (database versions not stated): gnomAD exomes below 0.00001.
gnomAD v4.1: 5 of 1,614,176 alleles (0.00031%); highest among the groups gnomAD compares: Non-Finnish European, 0.00034%; no homozygotes.

Submission:

Reproductive Development, Murdoch Childrens Research Institute
Classification: Likely pathogenic for Intellectual disability, Neurodevelopmental defects and Developmental delay with 46,XY gonadal dysgenesis. Last evaluated: 2023-03-06. Review status: no assertion criteria provided. Collection method: research. Allele origin: maternal. Inheritance: Autosomal recessive inheritance. Affected: yes. Observed: 1 variant allele.
Comment: It was identified as part of a larger study that has found biallelic variants in SART3 in nine children from six families with overlapping clinical features. The variant falls in a highly conserved residue within an important RRM protein domain. The variant is extremely rare or absent in population databases.

Literature cited by the submitters: PubMed 37296101.